The following is an entry in ClinVar:

NM_022168.4(IFIH1):c.1923AGA[1] (p.Glu642del)

Gene: IFIH1 (interferon induced with helicase C domain 1; minus strand). Cytogenetic location: 2q24.2.
Variant type: Microsatellite.
Coding change: c.1923AGA[1] on transcript NM_022168.4 (MANE Select); one copy of the 3-base unit AGA starting at c.1923; the reference has two copies in a row; one copy, 3 bases deleted.
Protein change: p.Glu642del; deletes glutamic acid 642.
Genome position (GRCh38, 1-based): chr2:162,277,531-162,277,533, TCT deleted on the plus strand (AGA on the coding strand, the reverse complement: IFIH1 is on the minus strand); deleting any 3 consecutive bases within chr2:162,277,531-162,277,536 gives the same sequence; the position shown is the placement nearest the transcript's 3' end. VCF-style (leftmost placement, unchanged base first): chr2-162277530-ATCT-A. GRCh37 (hg19) VCF-style: chr2-163134040-ATCT-A.
Other names: short protein forms E642del.
Identifiers: ClinVar variation 4528206 (VCV004528206.2).
Genomic context (GRCh38, chr2:162,277,530, plus strand): 5'-TAAATCATCCTCATCTTCATCACCATCACAATACTCATCATCACCACCCTCATCACTATC[ATCT>A]TCTATGACTGCAAACTTCTTATCTTTCTCTTCATTATAGAAAGTTTCAAGATGAGTATAC-3'

ClinVar aggregate classification (germline): Uncertain significance. Review status: criteria provided, multiple submitters, no conflicts (2 of 4 stars). 2 submissions from 2 submitters: Uncertain significance (2). Last evaluated 2025-05-18.

Conditions:
Singleton-Merten syndrome 1 (SGMRT1). Also called: Widened medullary cavities of bone, aortic calcification, abnormal dentition, and muscular weakness; Syndrome of widened medullary cavities of the metacarpals and phalanges, aortic calcification and abnormal dentition. Identifiers: Orphanet 85191, MedGen C4225427, MONDO:0024535, OMIM 182250.
Aicardi-Goutieres syndrome 7 (AGS7). Identifiers: Orphanet 51, MedGen C3888244, MONDO:0014367, OMIM 615846.

Submissions (2):

Labcorp Genetics (formerly Invitae), Labcorp
Classification: Uncertain significance for Aicardi-Goutieres syndrome 7; Singleton-Merten syndrome 1. Last evaluated: 2025-05-18. Review status: criteria provided, single submitter. Criteria: Invitae Variant Classification Sherloc (09022015). Collection method: clinical testing. Allele origin: germline.
Comment: This variant, c.1926_1928del, results in the deletion of 1 amino acid(s) of the IFIH1 protein (p.Glu642del), but otherwise preserves the integrity of the reading frame. This variant is not present in population databases (gnomAD no frequency). This variant has not been reported in the literature in individuals affected with IFIH1-related conditions. Experimental studies and prediction algorithms are not available or were not evaluated, and the functional significance of this variant is currently unknown. In summary, the available evidence is currently insufficient to determine the role of this variant in disease. Therefore, it has been classified as a Variant of Uncertain Significance.

GeneDx
Classification: Uncertain significance. Last evaluated: 2025-05-09. Review status: criteria provided, single submitter. Criteria: GeneDx Variant Classification Process June 2021. Collection method: clinical testing. Allele origin: germline. Affected: yes.
Comment: Not observed at significant frequency in large population cohorts (gnomAD); In-frame deletion of 1 amino acid(s) in a non-repeat region; In silico analysis suggests that this variant does not alter protein structure/function; Has not been previously published as pathogenic or benign to our knowledge